The following is an entry in ClinVar:

ClinVar aggregate classification (germline): Pathogenic. Review status: criteria provided, single submitter (1 of 4 stars). 4 submissions from 4 submitters: Pathogenic (1). 3 of the submissions do not count toward it. Last evaluated 2025-01-24.

Conditions:
PRPH2-related disorder. Also called: PRPH2-related condition; PRPH2-related disorders. Identifiers: MedGen CN239395.
Retinitis pigmentosa 7 (RP7). Identifiers: Orphanet 791, MedGen C1842475, MONDO:0011974, OMIM 608133.

Submissions (4):

Labcorp Genetics (formerly Invitae), Labcorp
Classification: Pathogenic for PRPH2-related disorder. Last evaluated: 2025-01-24. Review status: criteria provided, single submitter. Criteria: Invitae Variant Classification Sherloc (09022015). Collection method: clinical testing. Allele origin: germline.
Comment: This sequence change replaces aspartic acid, which is acidic and polar, with valine, which is neutral and non-polar, at codon 173 of the PRPH2 protein (p.Asp173Val). This variant is not present in population databases (gnomAD no frequency). This missense change has been observed in individual(s) with autosomal dominant retinitis pigmentosa (PMID: 8019570). It has also been observed to segregate with disease in related individuals. ClinVar contains an entry for this variant (Variation ID: 13181). Invitae Evidence Modeling of protein sequence and biophysical properties (such as structural, functional, and spatial information, amino acid conservation, physicochemical variation, residue mobility, and thermodynamic stability) indicates that this missense variant is expected to disrupt PRPH2 protein function with a positive predictive value of 95%. This variant disrupts the p.Asp173 amino acid residue in PRPH2. Other variant(s) that disrupt this residue have been determined to be pathogenic (PMID: 31456290; internal data). This suggests that this residue is clinically significant, and that variants that disrupt this residue are likely to be disease-causing. For these reasons, this variant has been classified as Pathogenic.

Leiden Open Variation Database
Classification: Likely pathogenic. Last evaluated: 2021-04-06. Review status: no assertion criteria provided. Collection method: curation. Allele origin: germline. Affected: yes. Not counted in ClinVar's aggregate classification.
Comment: Curator: Global Variome, with Curator vacancy. Submitter to LOVD: Manon Peeters.

OMIM
Classification: Pathogenic for RETINITIS PIGMENTOSA 7. Last evaluated: 1994-01-01. Review status: no assertion criteria provided. Collection method: literature only. Allele origin: germline. Not counted in ClinVar's aggregate classification.

Retina International
No classification provided. Review status: no classification provided. Collection method: not provided. Allele origin: not provided. Not counted in ClinVar's aggregate classification.

Literature cited by the submitters: PubMed 8019570 (cited by Labcorp Genetics (formerly Invitae), Labcorp and OMIM); PubMed 31456290 (cited by Labcorp Genetics (formerly Invitae), Labcorp); PubMed 8740695 (cited by Leiden Open Variation Database); PubMed 26321861 (cited by Leiden Open Variation Database); PubMed 31054281 (cited by Leiden Open Variation Database).

NM_000322.5(PRPH2):c.518A>T (p.Asp173Val)

Gene: PRPH2 (peripherin 2; minus strand). Cytogenetic location: 6p21.1.
Variant type: single nucleotide variant.
Coding change: c.518A>T on transcript NM_000322.5 (MANE Select); coding-DNA position 518, A replaced by T.
Protein change: p.Asp173Val; replaces aspartic acid 173 with valine.
Molecular consequence: missense variant.
Genome position (GRCh38, 1-based): chr6:42,721,817, T>A on the plus strand (A>T on the coding strand, the complement: PRPH2 is on the minus strand). VCF-style: chr6-42721817-T-A. GRCh37 (hg19) VCF-style: chr6-42689555-T-A.
Other names: short protein forms D173V.
Identifiers: ClinVar variation 13181 (VCV000013181.4), dbSNP rs61755794, ClinGen allele CA226248.